The following is an entry in ClinVar:

NM_004655.4(AXIN2):c.608G>C (p.Gly203Ala)

Gene: AXIN2 (axin 2; minus strand). Cytogenetic location: 17q24.1.
Variant type: single nucleotide variant.
Coding change: c.608G>C on transcript NM_004655.4 (MANE Select); coding-DNA position 608, G replaced by C.
Protein change: p.Gly203Ala; replaces glycine 203 with alanine.
Molecular consequence: missense variant.
Genome position (GRCh38, 1-based): chr17:65,558,013, C>G on the plus strand (G>C on the coding strand, the complement: AXIN2 is on the minus strand). VCF-style: chr17-65558013-C-G. GRCh37 (hg19) VCF-style: chr17-63554131-C-G.
Other names: c.608G>C, p.Gly203Ala (NM_001363813.1); c.608G>C (LRG_296t1); short protein forms G203A.
Identifiers: ClinVar variation 464633 (VCV000464633.13), dbSNP rs1555583340, ClinGen allele CA400680697.

ClinVar aggregate classification (germline): Uncertain significance. Review status: criteria provided, multiple submitters, no conflicts (2 of 4 stars). 4 submissions from 4 submitters: Uncertain significance (4). Last evaluated 2025-11-26.

Conditions:
Hereditary cancer-predisposing syndrome. Also called: Neoplastic Syndromes, Hereditary; Tumor predisposition; Hereditary Cancer Syndrome; Hereditary neoplastic syndrome. Identifiers: Orphanet 140162, MedGen C0027672, MeSH D009386, MONDO:0015356.
Colorectal cancer. Also called: Malignant Colorectal Neoplasm; Colorectal cancer, somatic. Identifiers: MedGen C0346629, MONDO:0005575, OMIM 114500.
Oligodontia-cancer predisposition syndrome. Also called: TOOTH AGENESIS-COLORECTAL CANCER SYNDROME. Identifiers: Orphanet 300576, MedGen C1837750, MONDO:0012075, OMIM 608615. Disease mechanism: loss of function.

Allele frequency attached by ClinVar (database versions not stated): gnomAD exomes below 0.00001.
gnomAD v4.1: 1 of 1,614,158 alleles (0.000062%); highest among the groups gnomAD compares: Non-Finnish European, 0.000085%; no homozygotes.

Submissions (4):

Ambry Genetics
Classification: Uncertain significance for Hereditary cancer-predisposing syndrome. Last evaluated: 2025-11-26. Review status: criteria provided, single submitter. Criteria: Ambry Variant Classification Scheme 2023. Collection method: clinical testing. Allele origin: germline.

Labcorp Genetics (formerly Invitae), Labcorp
Classification: Uncertain significance for Oligodontia-cancer predisposition syndrome. Last evaluated: 2025-03-18. Review status: criteria provided, single submitter. Criteria: Invitae Variant Classification Sherloc (09022015). Collection method: clinical testing. Allele origin: germline.
Comment: This sequence change replaces glycine, which is neutral and non-polar, with alanine, which is neutral and non-polar, at codon 203 of the AXIN2 protein (p.Gly203Ala). This variant is not present in population databases (gnomAD no frequency). This variant has not been reported in the literature in individuals affected with AXIN2-related conditions. ClinVar contains an entry for this variant (Variation ID: 464633). Invitae Evidence Modeling of protein sequence and biophysical properties (such as structural, functional, and spatial information, amino acid conservation, physicochemical variation, residue mobility, and thermodynamic stability) indicates that this missense variant is expected to disrupt AXIN2 protein function with a positive predictive value of 80%. In summary, the available evidence is currently insufficient to determine the role of this variant in disease. Therefore, it has been classified as a Variant of Uncertain Significance.

Baylor Genetics
Classification: Uncertain significance for Colorectal cancer. Last evaluated: 2023-09-15. Review status: criteria provided, single submitter. Criteria: ACMG Guidelines, 2015. Collection method: clinical testing. Allele origin: unknown.

Sema4
Classification: Uncertain significance for Hereditary cancer-predisposing syndrome. Last evaluated: 2021-10-26. Review status: criteria provided, single submitter. Criteria: Sema4 Curation Guidelines. Collection method: curation. Allele origin: germline.
Comment: The AXIN2 c.608G>C (p.G203A) variant has not been reported in the literature to our knowledge. It was not observed in the large and broad cohorts of the Genome Aggregation Database (PMID: 32461654). This variant has been reported in ClinVar (Variation ID: 464633). Functional studies have not been performed, and in silico predictions of the variant's effect on protein function are inconclusive. The evidence is insufficient to meet ACMG/AMP criteria for classifying the variant as benign or pathogenic. Thus, the clinical significance of this variant is currently uncertain.